The following is an entry in ClinVar:

NM_001387850.1(FILIP1L):c.427-5C>T

Genes: CMSS1 (cms1 ribosomal small subunit homolog; plus strand), FILIP1L (filamin A interacting protein 1 like; minus strand), LOC105374010 (uncharacterized LOC105374010; plus strand). Cytogenetic location: 3q12.1.
Variant type: single nucleotide variant.
Coding change: c.427-5C>T on transcript NM_001387850.1 (MANE Select); 5 bases into the intron before coding-DNA position 427, C replaced by T.
Molecular consequence: intron variant.
Genome position (GRCh38, 1-based): chr3:99,924,413, G>A on the plus strand (C>T on the coding strand, the complement: FILIP1L is on the minus strand). VCF-style: chr3-99924413-G-A. GRCh37 (hg19) VCF-style: chr3-99643257-G-A.
Other names: c.64+106370G>A (NM_032359.4); c.427-5C>T (NM_001387852.1, NM_182909.4, NM_001042459.3).
Identifiers: ClinVar variation 3033890 (VCV003033890.2), dbSNP rs191193772, ClinGen allele CA2513774.

ClinVar aggregate classification (germline): Likely benign (0 of 4 stars; one submission).

Conditions:
FILIP1L-related disorder. Also called: FILIP1L-related condition.

Allele frequency attached by ClinVar (database versions not stated): 1000 Genomes Project 30x 0.00047; 1000 Genomes Project 0.00060; ESP Exome Variant Server 0.00127; ExAC 0.00130; gnomAD 0.00143; TOPMed 0.00149; gnomAD exomes 0.00280.
gnomAD v4.1: 4,250 of 1,612,986 alleles (0.26%); highest among the groups gnomAD compares: Non-Finnish European, 0.33%; 14 homozygotes.

Submission:

PreventionGenetics, part of Exact Sciences
Classification: Likely benign for FILIP1L-related condition. Last evaluated: 2019-07-11. Review status: no assertion criteria provided. Collection method: clinical testing. Allele origin: germline.
Comment: This variant is classified as likely benign based on ACMG/AMP sequence variant interpretation guidelines (Richards et al. 2015 PMID: 25741868, with internal and published modifications).